The following is an entry in ClinVar:

ClinVar aggregate classification (germline): Uncertain significance. Review status: criteria provided, multiple submitters, no conflicts (2 of 4 stars). 2 submissions from 2 submitters: Uncertain significance (2). Last evaluated 2024-09-18.

Conditions:
Inborn genetic diseases. Identifiers: MedGen C0950123, MeSH D030342.

Allele frequency attached by ClinVar (database versions not stated): ExAC 0.00001; gnomAD 0.00001; gnomAD exomes 0.00002; TOPMed 0.00002.

Submissions (2):

Ambry Genetics
Classification: Uncertain significance for Inborn genetic diseases. Last evaluated: 2024-09-18. Review status: criteria provided, single submitter. Criteria: Ambry Variant Classification Scheme 2023. Collection method: clinical testing. Allele origin: germline.

Labcorp Genetics (formerly Invitae), Labcorp
Classification: Uncertain significance. Last evaluated: 2021-06-01. Review status: criteria provided, single submitter. Criteria: Invitae Variant Classification Sherloc (09022015). Collection method: clinical testing. Allele origin: germline.
Comment: This sequence change replaces arginine with histidine at codon 198 of the CDT1 protein (p.Arg198His). The arginine residue is moderately conserved and there is a small physicochemical difference between arginine and histidine. This variant is present in population databases (rs775994089, ExAC 0.01%). This variant has not been reported in the literature in individuals with CDT1-related conditions. Algorithms developed to predict the effect of missense changes on protein structure and function are either unavailable or do not agree on the potential impact of this missense change (SIFT: "Deleterious"; PolyPhen-2: "Possibly Damaging"; Align-GVGD: "Class C0"). In summary, the available evidence is currently insufficient to determine the role of this variant in disease. Therefore, it has been classified as a Variant of Uncertain Significance.

NM_030928.4(CDT1):c.593G>A (p.Arg198His)

Gene: CDT1 (chromatin licensing and DNA replication factor 1; plus strand). Cytogenetic location: 16q24.3.
Variant type: single nucleotide variant.
Coding change: c.593G>A on transcript NM_030928.4 (MANE Select); coding-DNA position 593, G replaced by A.
Protein change: p.Arg198His; replaces arginine 198 with histidine.
Molecular consequence: missense variant.
Genome position (GRCh38, 1-based): chr16:88,805,544, G>A. VCF-style: chr16-88805544-G-A. GRCh37 (hg19) VCF-style: chr16-88871952-G-A.
Other names: c.593G>A (NM_030928.3); short protein forms R198H.
Identifiers: ClinVar variation 1514933 (VCV001514933.9), dbSNP rs775994089, ClinGen allele CA8233717.
Genomic context (GRCh38, chr16:88,805,544, plus strand): 5'-AGCCCGGCCTGCCGGGACTCGTGCTGCCCTACAAGTACCAGGTGCTGGCGGAGATGTTCC[G>A]CAGCATGGACACCATCGTGGGCATGCTCCACAACCGCTCCGAGACGCCCACCTTTGCCAA-3'
Protein context (NP_112190.2, residues 188-208): YKYQVLAEMF[Arg198His]SMDTIVGMLH